The following is an entry in ClinVar:

NM_001005361.3(DNM2):c.159C>T (p.Gly53=)

Genes: DNM2 (dynamin 2; plus strand), LOC130063529 (ATAC-STARR-seq lymphoblastoid silent region 10090; plus strand). Cytogenetic location: 19p13.2.
Variant type: single nucleotide variant.
Coding change: c.159C>T on transcript NM_001005361.3 (MANE Select); coding-DNA position 159, C replaced by T.
Protein change: p.Gly53=; no amino-acid change (glycine 53 retained).
Molecular consequence: synonymous variant.
Genome position (GRCh38, 1-based): chr19:10,718,401, C>T. VCF-style: chr19-10718401-C-T. GRCh37 (hg19) VCF-style: chr19-10829077-C-T.
Other names: c.159C>T, p.Gly53= (NM_001005360.3, NM_001005362.3, NM_001190716.2 and 1 more transcripts).
Identifiers: ClinVar variation 3375718 (VCV003375718.1).

ClinVar aggregate classification (germline): Uncertain significance (1 of 4 stars; one submission).

gnomAD v4.1: 1 of 1,471,332 alleles (0.000068%); highest among the groups gnomAD compares: Non-Finnish European, 0.00009%; no homozygotes.

Submission:

GeneDx
Classification: Uncertain significance. Last evaluated: 2024-05-10. Review status: criteria provided, single submitter. Criteria: GeneDx Variant Classification Process June 2021. Collection method: clinical testing. Allele origin: germline. Affected: yes.
Comment: Not observed at significant frequency in large population cohorts (gnomAD); In silico analysis supports a deleterious effect on splicing; Has not been previously published as pathogenic or benign to our knowledge